The following is an entry in ClinVar:

ClinVar aggregate classification (germline): Conflicting classifications of pathogenicity. Review status: criteria provided, conflicting classifications (1 of 4 stars). 7 submissions from 7 submitters: Uncertain significance (5); Likely benign (1). 1 of the submissions does not count toward it. Last evaluated 2025-10-22.

Conditions:
Hereditary cancer-predisposing syndrome. Also called: Hereditary Cancer Syndrome; Hereditary neoplastic syndrome; Neoplastic Syndromes, Hereditary; Tumor predisposition. Identifiers: Orphanet 140162, MedGen C0027672, MeSH D009386, MONDO:0015356.
Breast-ovarian cancer, familial, susceptibility to, 1 (BROVCA1). Also called: BRCA1 Hereditary Breast and Ovarian Cancer; OVARIAN CANCER, SUSCEPTIBILITY TO. Identifiers: Orphanet 145, MedGen C2676676, MONDO:0011450, OMIM 604370. Disease mechanism: loss of function.
Hereditary breast ovarian cancer syndrome. Also called: BRCA1- and BRCA2-Associated Hereditary Breast and Ovarian Cancer; Hereditary breast and ovarian cancer syndrome; Hereditary breast and ovarian cancer syndrome (HBOC); Breast and ovarian cancer; Hereditary breast and/or ovarian cancer syndrome; Hereditary breast and ovarian cancer. Identifiers: Orphanet 145, MedGen C0677776, MeSH D061325, MONDO:0003582. Disease mechanism: loss of function.

Allele frequency attached by ClinVar (database versions not stated): gnomAD exomes below 0.00001; TOPMed below 0.00001.
gnomAD v4.1: 1 of 1,614,194 alleles (0.000062%); highest among the groups gnomAD compares: African/African-American, 0.0013%; no homozygotes.

Submissions (7):

Quest Diagnostics Nichols Institute San Juan Capistrano
Classification: Uncertain significance. Last evaluated: 2025-10-22. Review status: criteria provided, single submitter. Criteria: Quest Diagnostics criteria. Collection method: clinical testing. Allele origin: unknown.
Comment: The BRCA1 c.926A>C (p.Lys309Thr) variant has been reported in the published literature in functional studies as having inconclusive effects on protein function (PMIDs: 23704879 (2013) and 33087888 (2021)). The frequency of this variant in the general population (Genome Aggregation Database) is uninformative in the assessment of its pathogenicity. Analysis of this variant using bioinformatics tools for the prediction of the effect of amino acid changes on protein structure and function yielded conflicting predictions that this variant is benign or damaging. Based on the available information, we are unable to determine the clinical significance of this variant.

Labcorp Genetics (formerly Invitae), Labcorp
Classification: Uncertain significance for Hereditary breast ovarian cancer syndrome. Last evaluated: 2025-04-07. Review status: criteria provided, single submitter. Criteria: Invitae Variant Classification Sherloc (09022015). Collection method: clinical testing. Allele origin: germline.
Comment: This sequence change replaces lysine, which is basic and polar, with threonine, which is neutral and polar, at codon 309 of the BRCA1 protein (p.Lys309Thr). This variant is present in population databases (rs80356877, gnomAD 0.007%). This variant has not been reported in the literature in individuals affected with BRCA1-related conditions. ClinVar contains an entry for this variant (Variation ID: 55756). Invitae Evidence Modeling of protein sequence and biophysical properties (such as structural, functional, and spatial information, amino acid conservation, physicochemical variation, residue mobility, and thermodynamic stability) indicates that this missense variant is expected to disrupt BRCA1 protein function with a positive predictive value of 80%. In summary, the available evidence is currently insufficient to determine the role of this variant in disease. Therefore, it has been classified as a Variant of Uncertain Significance.

Ambry Genetics
Classification: Uncertain significance for Hereditary cancer-predisposing syndrome. Last evaluated: 2024-09-06. Review status: criteria provided, single submitter. Criteria: Ambry Variant Classification Scheme 2023. Collection method: clinical testing. Allele origin: germline.
Comment: The p.K309T variant (also known as c.926A>C), located in coding exon 9 of the BRCA1 gene, results from an A to C substitution at nucleotide position 926. The lysine at codon 309 is replaced by threonine, an amino acid with similar properties. This amino acid position is not well conserved in available vertebrate species. In addition, this alteration is predicted to be deleterious by in silico analysis. Based on the available evidence, the clinical significance of this variant remains unclear.

University of Washington Department of Laboratory Medicine, University of Washington
Classification: Likely benign for Hereditary cancer-predisposing syndrome. Last evaluated: 2023-03-23. Review status: criteria provided, single submitter. Criteria: Dines et al. (Genet Med. 2020). Collection method: curation. Allele origin: germline.
Comment: Missense variant in a coldspot region where missense variants are very unlikely to be pathogenic (PMID:31911673).

BRCA1 coldspot (exon 11 using historical exon numbering). Reclassification based on statistical prior probability

GeneDx
Classification: Uncertain significance. Last evaluated: 2022-05-20. Review status: criteria provided, single submitter. Criteria: GeneDx Variant Classification Process June 2021. Collection method: clinical testing. Allele origin: germline. Affected: yes.
Comment: Not observed at significant frequency in large population cohorts (gnomAD); In silico analysis supports that this missense variant has a deleterious effect on protein structure/function; Has not been previously published as pathogenic or benign to our knowledge; Also known as 1045A>C; This variant is associated with the following publications: (PMID: 20215511, 15343273, 9926942, 9582019, 11521194, 23704879, 25011685)

Sema4
Classification: Uncertain significance for Hereditary cancer-predisposing syndrome. Last evaluated: 2022-03-09. Review status: criteria provided, single submitter. Criteria: Sema4 Curation Guidelines. Collection method: curation. Allele origin: germline.
Comment: The BRCA1 c.926A>C (p.K309T) variant has not been reported in individuals with BRCA1-related disease. This variant was observed in 1/16256 chromosomes in the African/African American population according to the Genome Aggregation Database (PMID: 32461654). This variant has been reported in ClinVar (Variation ID: 55756). In silico tools suggest the impact of the variant on protein function is deleterious, though these predictions have not been confirmed by functional studies. The evidence is insufficient to meet ACMG/AMP criteria for classifying the variant as benign or pathogenic. Thus, the clinical significance of this variant is currently uncertain.

Breast Cancer Information Core (BIC) (BRCA1)
Classification: Uncertain significance for Breast-ovarian cancer, familial 1. Last evaluated: 2004-11-25. Review status: no assertion criteria provided. Collection method: clinical testing. Allele origin: germline. Affected: yes. Observed: 1 variant allele. Not counted in ClinVar's aggregate classification.

Literature cited by the submitters: PubMed 23704879 (cited by Quest Diagnostics Nichols Institute San Juan Capistrano and Ambry Genetics); PubMed 31911673 (cited by Quest Diagnostics Nichols Institute San Juan Capistrano); PubMed 33087888 (cited by Quest Diagnostics Nichols Institute San Juan Capistrano).

NM_007294.4(BRCA1):c.926A>C (p.Lys309Thr)

Gene: BRCA1 (BRCA1 DNA repair associated; minus strand). Cytogenetic location: 17q21.31.
Variant type: single nucleotide variant.
Coding change: c.926A>C on transcript NM_007294.4 (MANE Select); coding-DNA position 926, A replaced by C.
Protein change: p.Lys309Thr; replaces lysine 309 with threonine.
Molecular consequence: missense variant. On other transcripts: intron variant (137).
Genome position (GRCh38, 1-based): chr17:43,094,605, T>G on the plus strand (A>C on the coding strand, the complement: BRCA1 is on the minus strand). VCF-style: chr17-43094605-T-G. GRCh37 (hg19) VCF-style: chr17-41246622-T-G.
Other names: c.713A>C, p.Lys238Thr (NM_001407571.1, NM_001407896.1, NM_001407897.1 and 9 more transcripts); c.926A>C, p.Lys309Thr (NM_001407581.1, NM_001407582.1, NM_001407583.1 and 30 more transcripts); c.923A>C, p.Lys308Thr (NM_001407587.1, NM_001407590.1, NM_001407591.1 and 22 more transcripts); c.787+139A>C (NM_001408403.1, NM_001407983.1, NM_001407975.1 and 19 more transcripts); c.790+136A>C (NM_001408406.1); c.646+139A>C (NM_001408456.1, NM_001408410.1, NM_001408458.1 and 11 more transcripts); c.643+139A>C (NM_001408465.1, NM_001408463.1, NM_001408462.1 and 3 more transcripts); c.577+139A>C (NM_001408482.1, NM_001408484.1, NM_001408478.1 and 9 more transcripts); and 40 more; short protein forms K309T, K262T, K220T, K221T, K261T, K268T, K308T, K198T.
Identifiers: ClinVar variation 55756 (VCV000055756.15), dbSNP rs80356877, ClinGen allele CA003969.